The following is an entry in ClinVar:

ClinVar aggregate classification (germline): Uncertain significance (1 of 4 stars; one submission).

Allele frequency attached by ClinVar (database versions not stated): TOPMed below 0.00001.

Submission:

Labcorp Genetics (formerly Invitae), Labcorp
Classification: Uncertain significance. Last evaluated: 2024-11-11. Review status: criteria provided, single submitter. Criteria: Invitae Variant Classification Sherloc (09022015). Collection method: clinical testing. Allele origin: germline.
Comment: This sequence change replaces aspartic acid, which is acidic and polar, with glutamic acid, which is acidic and polar, at codon 610 of the PTPN23 protein (p.Asp610Glu). This variant is present in population databases (no rsID available, gnomAD 0.0009%). This variant has not been reported in the literature in individuals affected with PTPN23-related conditions. ClinVar contains an entry for this variant (Variation ID: 2092565). Experimental studies and prediction algorithms are not available or were not evaluated, and the functional significance of this variant is currently unknown. In summary, the available evidence is currently insufficient to determine the role of this variant in disease. Therefore, it has been classified as a Variant of Uncertain Significance.

NM_015466.4(PTPN23):c.1830C>A (p.Asp610Glu)

Gene: PTPN23 (protein tyrosine phosphatase non-receptor type 23; plus strand). Cytogenetic location: 3p21.31.
Variant type: single nucleotide variant.
Coding change: c.1830C>A on transcript NM_015466.4 (MANE Select); coding-DNA position 1830, C replaced by A.
Protein change: p.Asp610Glu; replaces aspartic acid 610 with glutamic acid.
Molecular consequence: missense variant.
Genome position (GRCh38, 1-based): chr3:47,409,449, C>A. VCF-style: chr3-47409449-C-A. GRCh37 (hg19) VCF-style: chr3-47450939-C-A.
Other names: c.1452C>A, p.Asp484Glu (NM_001304482.2); short protein forms D484E, D610E.
Identifiers: ClinVar variation 2092565 (VCV002092565.3), dbSNP rs1238271812, ClinGen allele CA352555353.
Genomic context (GRCh38, chr3:47,409,449, plus strand): 5'-CCGTCCCTGGCCCCCACCCCTTCCTCAGAAGTTGTTCGAGGAGCAGCTGAAAAAGTATGA[C>A]CAGCTGAAGGTGTACCTGGAGCAGAACCTGGCCGCCCAGGACCGTGTCCTCTGTGCACTG-3'
Protein context (NP_056281.1, residues 600-620): KLFEEQLKKY[Asp610Glu]QLKVYLEQNL